The following is an entry in ClinVar:

NM_001080449.3(DNA2):c.2097G>A (p.Leu699=)

Gene: DNA2 (DNA replication helicase/nuclease 2; minus strand). Cytogenetic location: 10q21.3.
Variant type: single nucleotide variant.
Coding change: c.2097G>A on transcript NM_001080449.3 (MANE Select); coding-DNA position 2097, G replaced by A.
Protein change: p.Leu699=; no amino-acid change (leucine 699 retained).
Molecular consequence: synonymous variant.
Genome position (GRCh38, 1-based): chr10:68,430,547, C>T on the plus strand (G>A on the coding strand, the complement: DNA2 is on the minus strand). VCF-style: chr10-68430547-C-T. GRCh37 (hg19) VCF-style: chr10-70190304-C-T.
Identifiers: ClinVar variation 3619130 (VCV003619130.2).

ClinVar aggregate classification (germline): Uncertain significance (1 of 4 stars; one submission).

gnomAD v4.1: 4 of 1,610,314 alleles (0.00025%); highest among the groups gnomAD compares: African/African-American, 0.0053%; no homozygotes.

Submission:

Labcorp Genetics (formerly Invitae), Labcorp
Classification: Uncertain significance. Last evaluated: 2024-09-04. Review status: criteria provided, single submitter. Criteria: Invitae Variant Classification Sherloc (09022015). Collection method: clinical testing. Allele origin: germline.
Comment: This sequence change affects codon 699 of the DNA2 mRNA. It is a 'silent' change, meaning that it does not change the encoded amino acid sequence of the DNA2 protein. The frequency data for this variant in the population databases is considered unreliable, as metrics indicate poor data quality at this position in the gnomAD database. This variant has not been reported in the literature in individuals affected with DNA2-related conditions. Algorithms developed to predict the effect of sequence changes on RNA splicing suggest that this variant may disrupt the consensus splice site. In summary, the available evidence is currently insufficient to determine the role of this variant in disease. Therefore, it has been classified as a Variant of Uncertain Significance.